The following is an entry in ClinVar:

ClinVar aggregate classification (germline): Uncertain significance. Review status: criteria provided, multiple submitters, no conflicts (2 of 4 stars). 4 submissions from 4 submitters: Uncertain significance (4). Last evaluated 2026-08-01.

Conditions:
Gorlin syndrome. Also called: Nevoid Basal Cell Carcinoma Syndrome; Basal cell nevus syndrome. Identifiers: Orphanet 377, MedGen C0004779, MONDO:0007187.
Hereditary cancer-predisposing syndrome. Also called: Hereditary Cancer Syndrome; Tumor predisposition; Neoplastic Syndromes, Hereditary; Hereditary neoplastic syndrome. Identifiers: Orphanet 140162, MedGen C0027672, MeSH D009386, MONDO:0015356.

Submissions (4):

CeGaT Center for Human Genetics Tuebingen
Classification: Uncertain significance. Last evaluated: 2026-08-01. Review status: criteria provided, single submitter. Criteria: CeGaT Center For Human Genetics Tuebingen Variant Classification Criteria Version 2. Collection method: clinical testing. Allele origin: germline. Affected: yes. Observed: 1 variant allele.
Comment: PTCH1: PM2, PP3

GeneDx
Classification: Uncertain significance. Last evaluated: 2023-12-19. Review status: criteria provided, single submitter. Criteria: GeneDx Variant Classification Process June 2021. Collection method: clinical testing. Allele origin: germline. Affected: yes.
Comment: Not observed at significant frequency in large population cohorts (gnomAD); In silico analysis supports that this missense variant has a deleterious effect on protein structure/function; Has not been previously published as pathogenic or benign to our knowledge; This variant is associated with the following publications: (PMID: 8906794)

Ambry Genetics
Classification: Uncertain significance for Hereditary cancer-predisposing syndrome. Last evaluated: 2023-12-14. Review status: criteria provided, single submitter. Criteria: Ambry Variant Classification Scheme 2023. Collection method: clinical testing. Allele origin: germline.
Comment: The p.D773E variant (also known as c.2319C>A), located in coding exon 15 of the PTCH1 gene, results from a C to A substitution at nucleotide position 2319. The aspartic acid at codon 773 is replaced by glutamic acid, an amino acid with highly similar properties. This amino acid position is conserved. In addition, the in silico prediction for this alteration is inconclusive. Since supporting evidence is limited at this time, the clinical significance of this alteration remains unclear.

Labcorp Genetics (formerly Invitae), Labcorp
Classification: Uncertain significance for Gorlin syndrome. Last evaluated: 2019-01-29. Review status: criteria provided, single submitter. Criteria: Invitae Variant Classification Sherloc (09022015). Collection method: clinical testing. Allele origin: germline.
Comment: In summary, the available evidence is currently insufficient to determine the role of this variant in disease. Therefore, it has been classified as a Variant of Uncertain Significance. Algorithms developed to predict the effect of missense changes on protein structure and function are either unavailable or do not agree on the potential impact of this missense change (SIFT: "Tolerated"; PolyPhen-2: "Possibly Damaging"; Align-GVGD: "Class C0"). This variant has not been reported in the literature in individuals with PTCH1-related conditions. This variant is not present in population databases (ExAC no frequency). This sequence change replaces aspartic acid with glutamic acid at codon 773 of the PTCH1 protein (p.Asp773Glu). The aspartic acid residue is moderately conserved and there is a small physicochemical difference between aspartic acid and glutamic acid.

NM_000264.5(PTCH1):c.2319C>A (p.Asp773Glu)

Genes: PTCH1 (patched 1; minus strand), LOC100507346 (uncharacterized LOC100507346; plus strand). Cytogenetic location: 9q22.32.
Variant type: single nucleotide variant.
Coding change: c.2319C>A on transcript NM_000264.5 (MANE Select); coding-DNA position 2319, C replaced by A.
Protein change: p.Asp773Glu; replaces aspartic acid 773 with glutamic acid.
Molecular consequence: missense variant. On other transcripts: non-coding transcript variant (1).
Genome position (GRCh38, 1-based): chr9:95,467,357, G>T on the plus strand (C>A on the coding strand, the complement: PTCH1 is on the minus strand). VCF-style: chr9-95467357-G-T. GRCh37 (hg19) VCF-style: chr9-98229639-G-T.
Other names: c.2121C>A, p.Asp707Glu (NM_001083602.3); c.2316C>A, p.Asp772Glu (NM_001083603.3); c.1866C>A, p.Asp622Glu (NM_001083604.3, NM_001083605.3, NM_001083606.3 and 1 more transcripts); c.2163C>A, p.Asp721Glu (NM_001354918.2); short protein forms D721E, D773E, D622E, D707E, D772E.
Identifiers: ClinVar variation 842640 (VCV000842640.13), dbSNP rs141134542, ClinGen allele CA374114615.